The following is an entry in ClinVar:

NM_000535.7(PMS2):c.2281G>C (p.Val761Leu)

Gene: PMS2 (PMS1 homolog 2, mismatch repair system component; minus strand). Cytogenetic location: 7p22.1.
Variant type: single nucleotide variant.
Coding change: c.2281G>C on transcript NM_000535.7 (MANE Select); coding-DNA position 2281, G replaced by C.
Protein change: p.Val761Leu; replaces valine 761 with leucine.
Molecular consequence: missense variant.
Genome position (GRCh38, 1-based): chr7:5,977,752, C>G on the plus strand (G>C on the coding strand, the complement: PMS2 is on the minus strand). VCF-style: chr7-5977752-C-G. GRCh37 (hg19) VCF-style: chr7-6017383-C-G.
Other names: c.1876G>C, p.Val626Leu (NM_001322003.2, NM_001322004.2, NM_001322005.2); c.2125G>C, p.Val709Leu (NM_001322006.2); c.1963G>C, p.Val655Leu (NM_001322007.2, NM_001322008.2); c.1909G>C, p.Val637Leu (NM_001322009.2); c.1720G>C, p.Val574Leu (NM_001322010.2); c.1348G>C, p.Val450Leu (NM_001322011.2, NM_001322012.2); c.1708G>C, p.Val570Leu (NM_001322013.2); c.2314G>C, p.Val772Leu (NM_001322014.2); and 1 more; short protein forms V761L, V450L, V637L, V626L, V709L, V570L, V574L, V655L.
Identifiers: ClinVar variation 233856 (VCV000233856.20), dbSNP rs201914670, ClinGen allele CA10578648.

ClinVar aggregate classification (germline): Conflicting classifications of pathogenicity. Review status: criteria provided, conflicting classifications (1 of 4 stars). 5 submissions from 5 submitters: Uncertain significance (2); Likely benign (3). Last evaluated 2026-04-26.

Conditions:
Hereditary nonpolyposis colorectal neoplasms. Identifiers: MedGen C0009405, MeSH D003123.
Hereditary cancer-predisposing syndrome. Also called: Tumor predisposition; Neoplastic Syndromes, Hereditary; Hereditary Cancer Syndrome; Hereditary neoplastic syndrome. Identifiers: Orphanet 140162, MedGen C0027672, MeSH D009386, MONDO:0015356.

Allele frequency attached by ClinVar (database versions not stated): gnomAD 0.00001.
gnomAD v4.1: 25 of 1,605,366 alleles (0.0016%); highest among the groups gnomAD compares: Non-Finnish European, 0.002%; 1 homozygote.

Submissions (5):

Women's Health and Genetics/Laboratory Corporation of America, LabCorp
Classification: Uncertain significance. Last evaluated: 2026-04-26. Review status: criteria provided, single submitter. Criteria: LabCorp Variant Classification Summary - May 2015. Collection method: clinical testing. Allele origin: germline.

Labcorp Genetics (formerly Invitae), Labcorp
Classification: Likely benign for Hereditary nonpolyposis colorectal neoplasms. Last evaluated: 2025-11-05. Review status: criteria provided, single submitter. Criteria: Invitae Variant Classification Sherloc (09022015). Collection method: clinical testing. Allele origin: germline.

Color Diagnostics, LLC DBA Color Health
Classification: Likely benign for Hereditary cancer-predisposing syndrome. Last evaluated: 2024-12-23. Review status: criteria provided, single submitter. Criteria: ACMG Guidelines, 2015. Collection method: clinical testing. Allele origin: germline.

Ambry Genetics
Classification: Likely benign for Hereditary cancer-predisposing syndrome. Last evaluated: 2022-10-31. Review status: criteria provided, single submitter. Criteria: Ambry Variant Classification Scheme 2023. Collection method: clinical testing. Allele origin: germline.

GeneDx
Classification: Uncertain significance. Last evaluated: 2022-08-08. Review status: criteria provided, single submitter. Criteria: GeneDx Variant Classification Process June 2021. Collection method: clinical testing. Allele origin: germline. Affected: yes.
Comment: Not observed at significant frequency in large population cohorts (gnomAD); In silico analysis supports that this missense variant does not alter protein structure/function; Has not been previously published as pathogenic or benign to our knowledge; This variant is associated with the following publications: (PMID: Fukui2011[Chapter])